The following is an entry in ClinVar:

NM_000170.3(GLDC):c.2212_2218del (p.Cys738fs)

Gene: GLDC (glycine decarboxylase; minus strand). Cytogenetic location: 9p24.1.
Variant type: Deletion.
Coding change: c.2212_2218del on transcript NM_000170.3 (MANE Select); coding-DNA positions 2212 to 2218, 7 bases deleted (TGTCGCC; older notation c.2212_2218delTGTCGCC).
Protein change: p.Cys738fs; shifts the reading frame from cysteine 738.
Molecular consequence: frameshift variant.
Genome position (GRCh38, 1-based): chr9:6,554,766-6,554,772, GGCGACA deleted on the plus strand (TGTCGCC on the coding strand, the reverse complement: GLDC is on the minus strand); deleting any 7 consecutive bases within chr9:6,554,766-6,554,773 gives the same sequence; the c. name uses the placement nearest the transcript's 3' end. VCF-style (leftmost placement, unchanged base first): chr9-6554765-GGGCGACA-G. GRCh37 (hg19) VCF-style: chr9-6554765-GGGCGACA-G.
Other names: short protein forms C738fs.
Identifiers: ClinVar variation 1726735 (VCV001726735.2), dbSNP rs2489033738, ClinGen allele CA2580080247.

ClinVar aggregate classification (germline): Likely pathogenic (1 of 4 stars; one submission).

Conditions:
Glycine encephalopathy. Also called: Non-ketotic hyperglycinemia; Nonketotic hyperglycinemia. Identifiers: Orphanet 407, MedGen C0751748, MONDO:0011612, HP:0008288.

Submission:

Myriad Genetics, Inc.
Classification: Likely pathogenic for Glycine encephalopathy 1. Last evaluated: 2021-12-31. Review status: criteria provided, single submitter. Criteria: Myriad Women's Health Autosomal Recessive and X-Linked Classification Criteria (2021). Collection method: clinical testing. Allele origin: unknown.
Comment: NM_000170.2(GLDC):c.2212_2218del7(C738Lfs*11) is expected to be pathogenic in the context of glycine encephalopathy, GLDC-related. This variant is predicted to lead to an abnormal or absent protein product due to the creation of a premature termination codon in GLDC, a gene where loss-of-function variants are known to be pathogenic. Please note: this variant was assessed in the context of healthy population screening.